The following is an entry in ClinVar:

ClinVar aggregate classification (germline): Uncertain significance. Review status: criteria provided, multiple submitters, no conflicts (2 of 4 stars). 2 submissions from 2 submitters: Uncertain significance (2). Last evaluated 2022-06-27.

Conditions:
Primary ciliary dyskinesia. Also called: Ciliary dyskinesia. Identifiers: Orphanet 244, MedGen C0008780, MONDO:0016575, HP:0012265.

Allele frequency attached by ClinVar (database versions not stated): ExAC 0.00001; gnomAD exomes 0.00001 and 0.00002; gnomAD 0.00002 and 0.00003; TOPMed 0.00003.
gnomAD v4.1: 45 of 1,613,484 alleles (0.0028%); highest among the groups gnomAD compares: Non-Finnish European, 0.0034%; no homozygotes.

Submissions (2):

Labcorp Genetics (formerly Invitae), Labcorp
Classification: Uncertain significance for Primary ciliary dyskinesia. Last evaluated: 2022-06-27. Review status: criteria provided, single submitter. Criteria: Invitae Variant Classification Sherloc (09022015). Collection method: clinical testing. Allele origin: germline.
Comment: In summary, the available evidence is currently insufficient to determine the role of this variant in disease. Therefore, it has been classified as a Variant of Uncertain Significance. Algorithms developed to predict the effect of missense changes on protein structure and function are either unavailable or do not agree on the potential impact of this missense change (SIFT: "Deleterious"; PolyPhen-2: "Possibly Damaging"; Align-GVGD: "Class C0"). ClinVar contains an entry for this variant (Variation ID: 421659). This variant has not been reported in the literature in individuals affected with CCDC114-related conditions. This variant is present in population databases (rs750920206, gnomAD 0.002%). This sequence change replaces glycine, which is neutral and non-polar, with alanine, which is neutral and non-polar, at codon 628 of the CCDC114 protein (p.Gly628Ala).

GeneDx
Classification: Uncertain significance. Last evaluated: 2016-07-08. Review status: criteria provided, single submitter. Criteria: GeneDx Variant Classification (06012015). Collection method: clinical testing. Allele origin: germline. Affected: yes.
Comment: The G628A variant in the CCDC114 gene has not been reported previously as a pathogenic variant, nor as a benign variant, to our knowledge. The G628A variant was not observed in approximately 6,500 individuals of European and African American ancestry in the NHLBI Exome Sequencing Project, indicating it is not a common benign variant in these populations. The G628A variant is a conservative amino acid substitution, which is not likely to impact secondary protein structure as these residues share similar properties. This substitution occurs at a position that is not conserved. In silico analysis is inconsistent in its predictions as to whether or not the variant is damaging to the protein structure/function. We interpret G628A as a variant of uncertain significance.

NM_001364171.2(ODAD1):c.1994G>C (p.Gly665Ala)

Gene: ODAD1 (outer dynein arm docking complex subunit 1; minus strand). Cytogenetic location: 19q13.33.
Variant type: single nucleotide variant.
Coding change: c.1994G>C on transcript NM_001364171.2 (MANE Select); coding-DNA position 1994, G replaced by C.
Protein change: p.Gly665Ala; replaces glycine 665 with alanine.
Molecular consequence: missense variant.
Genome position (GRCh38, 1-based): chr19:48,297,106, C>G on the plus strand (G>C on the coding strand, the complement: ODAD1 is on the minus strand). VCF-style: chr19-48297106-C-G. GRCh37 (hg19) VCF-style: chr19-48800363-C-G.
Other names: c.1883G>C, p.Gly628Ala (NM_144577.4); short protein forms G628A, G665A.
Identifiers: ClinVar variation 421659 (VCV000421659.7), dbSNP rs750920206, ClinGen allele CA9548513.
Genomic context (GRCh38, chr19:48,297,106, plus strand): 5'-TGGTCTCTGCTGGACCCGAGGCCTCCGCTCGAATCAGACGCTGTGCCTCCGCTCTCCACA[C>G]CACCCTCTGTGTTTTCTCCGCCCCTGCTGGACCCCACGTATCCAGTGGAGCCCAGGTAGC-3'
Protein context (NP_001351100.1, residues 655-675): SSRGGENTEG[Gly665Ala]VESGGTASDS